The following is an entry in ClinVar:

ClinVar aggregate classification (germline): Uncertain significance. Review status: criteria provided, multiple submitters, no conflicts (2 of 4 stars). 6 submissions from 6 submitters: Uncertain significance (4). 2 of the submissions do not count toward it. Last evaluated 2024-06-06.

Conditions:
Charcot-Marie-Tooth disease axonal type 2U. Also called: CHARCOT-MARIE-TOOTH NEUROPATHY, TYPE 2U; CHARCOT-MARIE-TOOTH DISEASE, AXONAL, AUTOSOMAL DOMINANT, TYPE 2U. Identifiers: Orphanet 397735, MedGen C4084821, MONDO:0014566, OMIM 616280.
Charcot-Marie-Tooth disease. Also called: Charcot-Marie-Tooth Hereditary Neuropathy; Charcot-Marie-Tooth Neuropathy. Identifiers: Orphanet 166, MedGen C0007959, MONDO:0015626.
Severe early-onset pulmonary alveolar proteinosis due to MARS deficiency. Also called: PULMONARY ALVEOLAR PROTEINOSIS, REUNION ISLAND; Interstitial lung and liver disease. Identifiers: Orphanet 440427, MedGen C4225400, MONDO:0014206, OMIM 615486.

Allele frequency attached by ClinVar (database versions not stated): ExAC 0.00001; gnomAD 0.00001; gnomAD exomes 0.00001 and 0.00004; TOPMed 0.00001.
gnomAD v4.1: 53 of 1,614,092 alleles (0.0033%); highest among the groups gnomAD compares: Non-Finnish European, 0.0043%; no homozygotes.

Submissions (6):

Labcorp Genetics (formerly Invitae), Labcorp
Classification: Uncertain significance for Charcot-Marie-Tooth disease axonal type 2U; Severe early-onset pulmonary alveolar proteinosis due to MARS deficiency. Last evaluated: 2024-06-06. Review status: criteria provided, single submitter. Criteria: Invitae Variant Classification Sherloc (09022015). Collection method: clinical testing. Allele origin: germline.
Comment: This sequence change replaces arginine, which is basic and polar, with cysteine, which is neutral and slightly polar, at codon 618 of the MARS protein (p.Arg618Cys). This variant is present in population databases (rs587777718, gnomAD 0.002%). This missense change has been observed in individual(s) with autosomal dominant MARS-related conditions and/or autosomal recessive MARS-related conditions (PMID: 23729695, 29655802). ClinVar contains an entry for this variant (Variation ID: 156025). An algorithm developed to predict the effect of missense changes on protein structure and function (PolyPhen-2) suggests that this variant is likely to be disruptive. Experimental studies have shown that this missense change affects MARS function (PMID: 23729695, 29655802). In summary, the available evidence is currently insufficient to determine the role of this variant in disease. Therefore, it has been classified as a Variant of Uncertain Significance.

Women's Health and Genetics/Laboratory Corporation of America, LabCorp
Classification: Uncertain significance. Last evaluated: 2024-02-06. Review status: criteria provided, single submitter. Criteria: LabCorp Variant Classification Summary - May 2015. Collection method: clinical testing. Allele origin: germline.
Comment: Variant summary: MARS1 c.1852C>T (p.Arg618Cys) results in a non-conservative amino acid change in the encoded protein sequence. Five of five in-silico tools predict a damaging effect of the variant on protein function. The variant allele was found at a frequency of 3.3e-05 in 1614092 control chromosomes. c.1852C>T has been reported in the literature in trans along with a VUS missense in one infant with interstitial lung and liver disease (Rips_2018) and at a heterozygous state in several individuals affected with CMT2 or CMT, however the carrier parents were reported to be unaffected (Gonzalez_2013, Volodarsky_2021). These report(s) do not provide unequivocal conclusions about association of the variant with MARS1-Related Disorders. Two publications report experimental evidence evaluating an impact on protein function in Yeast, however, none of these studies allows convincing conclusions about the variant effect (Gonzalez_2013, Rips_2018) . The following publications have been ascertained in the context of this evaluation (PMID: 23729695, 29655802, 32376792). ClinVar contains an entry for this variant (Variation ID: 156025). Based on the evidence outlined above, the variant was classified as uncertain significance.

GeneDx
Classification: Uncertain significance. Last evaluated: 2017-03-03. Review status: criteria provided, single submitter. Criteria: GeneDx Variant Classification (06012015). Collection method: clinical testing. Allele origin: germline. Affected: yes.
Comment: This variant is not observed at a significant frequency in large population cohorts (Lek et al., 2016; 1000 Genomes Consortium et al., 2015; Exome Variant Server). The R618C variant is a non-conservative amino acid substitution, which is likely to impact secondary protein structure as these residues differ in polarity, charge, size and/or other properties, and occurs at a position that is conserved across species. In silico analysis predicts this variant is probably damaging to the protein structure/function, and functional studies demonstrated that the R618C variant did not rescue growth of yeast deficient in an ortholog of MARS (Gonzales et al., 2013). However, additional studies are needed to validate the functional effect of this variant in vivo. We interpret R618C as a variant of uncertain significance.

Molecular Genetics Laboratory, London Health Sciences Centre
Classification: Uncertain significance for Charcot-Marie-Tooth disease. Review status: criteria provided, single submitter. Criteria: ACMG Guidelines, 2015. Collection method: clinical testing. Allele origin: germline. Affected: yes.

OMIM
Classification: Pathogenic for CHARCOT-MARIE-TOOTH DISEASE, AXONAL, TYPE 2U. Last evaluated: 2013-11-01. Review status: no assertion criteria provided. Collection method: literature only. Allele origin: germline. Not counted in ClinVar's aggregate classification.

Hadassah Hebrew University Medical Center
Classification: Likely pathogenic for Severe early-onset pulmonary alveolar proteinosis due to MARS deficiency. Review status: no assertion criteria provided. Collection method: clinical testing. Allele origin: germline. Inheritance: Autosomal recessive inheritance. Affected: yes. Not counted in ClinVar's aggregate classification.

Literature cited by the submitters: PubMed 23729695 (cited by 3 submitters); PubMed 29655802 (cited by Labcorp Genetics (formerly Invitae), Labcorp and Women's Health and Genetics/Laboratory Corporation of America, LabCorp); PubMed 32376792 (cited by Women's Health and Genetics/Laboratory Corporation of America, LabCorp).

NM_004990.4(MARS1):c.1852C>T (p.Arg618Cys)

Gene: MARS1 (methionyl-tRNA synthetase 1; plus strand). Cytogenetic location: 12q13.3.
Variant type: single nucleotide variant.
Coding change: c.1852C>T on transcript NM_004990.4 (MANE Select); coding-DNA position 1852, C replaced by T.
Protein change: p.Arg618Cys; replaces arginine 618 with cysteine.
Molecular consequence: missense variant.
Genome position (GRCh38, 1-based): chr12:57,512,849, C>T. VCF-style: chr12-57512849-C-T. GRCh37 (hg19) VCF-style: chr12-57906632-C-T.
Other names: short protein forms R618C.
Identifiers: ClinVar variation 156025 (VCV000156025.12), dbSNP rs587777718, ClinGen allele CA170748.